The following is an entry in ClinVar:

NM_024884.3(L2HGDH):c.137C>T (p.Thr46Ile)

Genes: DMAC2L (distal membrane arm assembly component 2 like; plus strand), L2HGDH (L-2-hydroxyglutarate dehydrogenase; minus strand). Cytogenetic location: 14q21.3.
Variant type: single nucleotide variant.
Coding change: c.137C>T on transcript NM_024884.3 (MANE Select); coding-DNA position 137, C replaced by T.
Protein change: p.Thr46Ile; replaces threonine 46 with isoleucine.
Molecular consequence: missense variant.
Genome position (GRCh38, 1-based): chr14:50,312,014, G>A on the plus strand (C>T on the coding strand, the complement: L2HGDH is on the minus strand). VCF-style: chr14-50312014-G-A. GRCh37 (hg19) VCF-style: chr14-50778732-G-A.
Other names: short protein forms T46I.
Identifiers: ClinVar variation 435697 (VCV000435697.21), dbSNP rs201806251, ClinGen allele CA7178127.

ClinVar aggregate classification (germline): Likely benign. Review status: criteria provided, multiple submitters, no conflicts (2 of 4 stars). 5 submissions from 5 submitters: Likely benign (4). 1 of the submissions does not count toward it. Last evaluated 2026-05-18.

Conditions:
L-2-hydroxyglutaric aciduria (L2HGA). Identifiers: Orphanet 79314, MedGen C1855995, MONDO:0009370, OMIM 236792, HP:0040144.
L2HGDH-related disorder. Also called: L2HGDH-related condition.

Allele frequency attached by ClinVar (database versions not stated): gnomAD exomes 0.00039 and 0.00018; TOPMed 0.00165; ESP Exome Variant Server 0.00097; gnomAD 0.00139 and 0.00145; 1000 Genomes Project 0.00160; ExAC 0.00101; 1000 Genomes Project 30x 0.00172.
gnomAD v4.1: 491 of 1,563,862 alleles (0.031%); highest among the groups gnomAD compares: African/African-American, 0.51%; 1 homozygote.

Submissions (5):

Women's Health and Genetics/Laboratory Corporation of America, LabCorp
Classification: Likely benign. Last evaluated: 2026-05-18. Review status: criteria provided, single submitter. Criteria: LabCorp Variant Classification Summary - May 2015. Collection method: clinical testing. Allele origin: germline.
Comment: Variant summary: L2HGDH c.137C>T (p.Thr46Ile) results in a non-conservative amino acid change in the encoded protein sequence. Algorithms developed to predict the effect of missense changes on protein structure and function are either unavailable or do not agree on the potential impact of this missense change. The variant allele was found at a frequency of 0.00031 in 1558088 control chromosomes, predominantly at a frequency of 0.0051 within the African or African-American subpopulation in the gnomAD database, including 1 homozygote. The observed variant frequency within African or African-American control individuals in the gnomAD database exceeds the estimated maximal expected allele frequency for disease-causing variants in L2HGDH. To our knowledge, no occurrence of c.137C>T in individuals affected with L2HGDH-related conditions and no experimental evidence demonstrating its impact on protein function have been reported. ClinVar contains an entry for this variant (Variation ID: 435697). Based on the evidence outlined above, the variant was classified as likely benign.

Labcorp Genetics (formerly Invitae), Labcorp
Classification: Likely benign for L-2-hydroxyglutaric aciduria. Last evaluated: 2025-08-11. Review status: criteria provided, single submitter. Criteria: Invitae Variant Classification Sherloc (09022015). Collection method: clinical testing. Allele origin: germline.

Genetic Services Laboratory, University of Chicago
Classification: Likely benign. Last evaluated: 2018-02-10. Review status: criteria provided, single submitter. Criteria: ACMG Guidelines, 2015. Collection method: clinical testing. Allele origin: germline. Affected: no.

Breakthrough Genomics
Classification: Likely benign. Review status: criteria provided, single submitter. Criteria: ACMG Guidelines, 2015. Collection method: not provided. Allele origin: germline. Inheritance: Autosomal recessive inheritance. Affected: yes.

PreventionGenetics, part of Exact Sciences
Classification: Likely benign for L2HGDH-related condition. Last evaluated: 2019-12-02. Review status: no assertion criteria provided. Collection method: clinical testing. Allele origin: germline. Not counted in ClinVar's aggregate classification.
Comment: This variant is classified as likely benign based on ACMG/AMP sequence variant interpretation guidelines (Richards et al. 2015 PMID: 25741868, with internal and published modifications).